The following is an entry in ClinVar:

ClinVar aggregate classification (germline): Uncertain significance (1 of 4 stars; one submission).

Allele frequency attached by ClinVar (database versions not stated): gnomAD exomes below 0.00001; ExAC 0.00001; gnomAD 0.00001; TOPMed 0.00001; ESP Exome Variant Server 0.00008.
gnomAD v4.1: 5 of 1,613,874 alleles (0.00031%); highest among the groups gnomAD compares: Non-Finnish European, 0.00042%; no homozygotes.

Submission:

GeneDx
Classification: Uncertain significance. Last evaluated: 2019-07-02. Review status: criteria provided, single submitter. Criteria: GeneDx Variant Classification Process June 2021. Collection method: clinical testing. Allele origin: germline. Affected: yes.
Comment: Not observed in large population cohorts (Lek et al., 2016); In silico analysis, which includes protein predictors and evolutionary conservation, supports that this variant does not alter protein structure/function; Has not been previously published as pathogenic or benign to our knowledge

NM_016343.4(CENPF):c.9329A>G (p.Asn3110Ser)

Gene: CENPF (centromere protein F; plus strand). Cytogenetic location: 1q41.
Variant type: single nucleotide variant.
Coding change: c.9329A>G on transcript NM_016343.4 (MANE Select); coding-DNA position 9329, A replaced by G.
Protein change: p.Asn3110Ser; replaces asparagine 3110 with serine.
Molecular consequence: missense variant.
Genome position (GRCh38, 1-based): chr1:214,663,778, A>G. VCF-style: chr1-214663778-A-G. GRCh37 (hg19) VCF-style: chr1-214837121-A-G.
Other names: short protein forms N3110S.
Identifiers: ClinVar variation 1306902 (VCV001306902.2), dbSNP rs372955906, ClinGen allele CA1391623.